The following is an entry in ClinVar:

NM_000283.4(PDE6B):c.1258-2A>G

Gene: PDE6B (phosphodiesterase 6B; plus strand). Cytogenetic location: 4p16.3.
Variant type: single nucleotide variant.
Coding change: c.1258-2A>G on transcript NM_000283.4 (MANE Select); the canonical splice acceptor site of the intron before coding-DNA position 1258, A replaced by G.
Molecular consequence: splice acceptor variant.
Genome position (GRCh38, 1-based): chr4:657,349, A>G. VCF-style: chr4-657349-A-G. GRCh37 (hg19) VCF-style: chr4-651138-A-G.
Other names: c.1258-2A>G (NM_001145291.2); c.421-2A>G (NM_001379246.1, NM_001379247.1, NM_001145292.2 and 1 more transcripts); c.103-2A>G (NM_001350155.3).
Identifiers: ClinVar variation 997842 (VCV000997842.6), dbSNP rs1736402440, ClinGen allele CA355913683.

ClinVar aggregate classification (germline): Likely pathogenic. Review status: criteria provided, single submitter (1 of 4 stars). 2 submissions from 2 submitters: Likely pathogenic (1). 1 of the submissions does not count toward it. Last evaluated 2022-08-06.

Conditions:
Retinitis pigmentosa 40 (RP40). Identifiers: Orphanet 791, MedGen C3151107, MONDO:0013429, OMIM 613801.

Submissions (2):

Labcorp Genetics (formerly Invitae), Labcorp
Classification: Likely pathogenic. Last evaluated: 2022-08-06. Review status: criteria provided, single submitter. Criteria: Invitae Variant Classification Sherloc (09022015). Collection method: clinical testing. Allele origin: germline.
Comment: This sequence change affects an acceptor splice site in intron 9 of the PDE6B gene. It is expected to disrupt RNA splicing. Variants that disrupt the donor or acceptor splice site typically lead to a loss of protein function (PMID: 16199547), and loss-of-function variants in PDE6B are known to be pathogenic (PMID: 8394174, 8595886, 22334370). In summary, the currently available evidence indicates that the variant is pathogenic, but additional data are needed to prove that conclusively. Therefore, this variant has been classified as Likely Pathogenic. Algorithms developed to predict the effect of sequence changes on RNA splicing suggest that this variant may disrupt the consensus splice site. ClinVar contains an entry for this variant (Variation ID: 997842). Disruption of this splice site has been observed in individual(s) with retinitis pigmentosa (PMID: 33673512). This variant is not present in population databases (gnomAD no frequency).

Molecular Genetics Laboratory, Institute for Ophthalmic Research
Classification: Likely pathogenic for Retinitis pigmentosa 40. Last evaluated: 2021-02-10. Review status: no assertion criteria provided. Collection method: research. Allele origin: germline. Affected: yes. Not counted in ClinVar's aggregate classification.

Literature cited by the submitters: PubMed 16199547 (cited by Labcorp Genetics (formerly Invitae), Labcorp); PubMed 8394174 (cited by Labcorp Genetics (formerly Invitae), Labcorp); PubMed 8595886 (cited by Labcorp Genetics (formerly Invitae), Labcorp); PubMed 22334370 (cited by Labcorp Genetics (formerly Invitae), Labcorp); PubMed 33673512 (cited by Labcorp Genetics (formerly Invitae), Labcorp and Molecular Genetics Laboratory, Institute for Ophthalmic Research).